The following is an entry in ClinVar:

NM_001004356.3(FGFRL1):c.506G>A (p.Arg169Gln)

Gene: FGFRL1 (fibroblast growth factor receptor like 1; plus strand). Cytogenetic location: 4p16.3.
Variant type: single nucleotide variant.
Coding change: c.506G>A on transcript NM_001004356.3 (MANE Select); coding-DNA position 506, G replaced by A.
Protein change: p.Arg169Gln; replaces arginine 169 with glutamine.
Molecular consequence: missense variant.
Genome position (GRCh38, 1-based): chr4:1,023,889, G>A. VCF-style: chr4-1023889-G-A. GRCh37 (hg19) VCF-style: chr4-1017677-G-A.
Other names: c.506G>A, p.Arg169Gln (NM_001004358.1, NM_001370296.1, NM_021923.3); short protein forms R169Q.
Identifiers: ClinVar variation 2063667 (VCV002063667.4), dbSNP rs771531742, ClinGen allele CA2802752.

ClinVar aggregate classification (germline): Uncertain significance (1 of 4 stars; one submission).

Allele frequency attached by ClinVar (database versions not stated): TOPMed below 0.00001; gnomAD 0.00002; ExAC 0.00007.
gnomAD v4.1: 14 of 1,581,446 alleles (0.00089%); highest among the groups gnomAD compares: East Asian, 0.016%; no homozygotes.

Submission:

Labcorp Genetics (formerly Invitae), Labcorp
Classification: Uncertain significance. Last evaluated: 2022-08-01. Review status: criteria provided, single submitter. Criteria: Invitae Variant Classification Sherloc (09022015). Collection method: clinical testing. Allele origin: germline.
Comment: In summary, the available evidence is currently insufficient to determine the role of this variant in disease. Therefore, it has been classified as a Variant of Uncertain Significance. Algorithms developed to predict the effect of missense changes on protein structure and function are either unavailable or do not agree on the potential impact of this missense change (SIFT: "Deleterious"; PolyPhen-2: "Probably Damaging"; Align-GVGD: "Class C0"). This variant has not been reported in the literature in individuals affected with FGFRL1-related conditions. The frequency data for this variant in the population databases is considered unreliable, as metrics indicate poor data quality at this position in the gnomAD database. This sequence change replaces arginine, which is basic and polar, with glutamine, which is neutral and polar, at codon 169 of the FGFRL1 protein (p.Arg169Gln).